The following is an entry in ClinVar:

NM_001430.5(EPAS1):c.1271C>A (p.Ser424Tyr)

Gene: EPAS1 (endothelial PAS domain protein 1; plus strand). Cytogenetic location: 2p21.
Variant type: single nucleotide variant.
Coding change: c.1271C>A on transcript NM_001430.5 (MANE Select); coding-DNA position 1271, C replaced by A.
Protein change: p.Ser424Tyr; replaces serine 424 with tyrosine.
Molecular consequence: missense variant.
Genome position (GRCh38, 1-based): chr2:46,377,915, C>A. VCF-style: chr2-46377915-C-A. GRCh37 (hg19) VCF-style: chr2-46605054-C-A.
Other names: short protein forms S424Y.
Identifiers: ClinVar variation 2565069 (VCV002565069.5), dbSNP rs371022645, ClinGen allele CA1644943.
Genomic context (GRCh38, chr2:46,377,915, plus strand): 5'-GGTTGTGGGTGTTCACCTCCCAGGCCCTTGTCTCCACAGGGAATCAGAACTTCGAGGAGT[C>A]CTCAGCCTATGGCAAGGCCATCCTGCCCCCGAGCCAGCCATGGGCCACGGAGTTGAGGAG-3'
Protein context (NP_001421.2, residues 414-434): LDFGNQNFEE[Ser424Tyr]SAYGKAILPP

ClinVar aggregate classification (germline): Uncertain significance. Review status: criteria provided, multiple submitters, no conflicts (2 of 4 stars). 2 submissions from 2 submitters: Uncertain significance (2). Last evaluated 2023-12-25.

Conditions:
Inborn genetic diseases. Identifiers: MedGen C0950123, MeSH D030342.

Allele frequency attached by ClinVar (database versions not stated): TOPMed below 0.00001; ExAC 0.00005; ESP Exome Variant Server 0.00008.
gnomAD v4.1: 16 of 1,553,410 alleles (0.001%); highest among the groups gnomAD compares: Non-Finnish European, 0.0013%; no homozygotes.

Submissions (2):

Labcorp Genetics (formerly Invitae), Labcorp
Classification: Uncertain significance. Last evaluated: 2023-12-25. Review status: criteria provided, single submitter. Criteria: Invitae Variant Classification Sherloc (09022015). Collection method: clinical testing. Allele origin: germline.
Comment: This sequence change replaces serine, which is neutral and polar, with tyrosine, which is neutral and polar, at codon 424 of the EPAS1 protein (p.Ser424Tyr). The frequency data for this variant in the population databases is considered unreliable, as metrics indicate poor data quality at this position in the gnomAD database. This variant has not been reported in the literature in individuals affected with EPAS1-related conditions. ClinVar contains an entry for this variant (Variation ID: 2565069). An algorithm developed to predict the effect of missense changes on protein structure and function (PolyPhen-2) suggests that this variant is likely to be tolerated. In summary, the available evidence is currently insufficient to determine the role of this variant in disease. Therefore, it has been classified as a Variant of Uncertain Significance.

Ambry Genetics
Classification: Uncertain significance for Inborn genetic diseases. Last evaluated: 2023-05-18. Review status: criteria provided, single submitter. Criteria: Ambry Variant Classification Scheme 2023. Collection method: clinical testing. Allele origin: germline.
Comment: The p.S424Y variant (also known as c.1271C>A), located in coding exon 10 of the EPAS1 gene, results from a C to A substitution at nucleotide position 1271. The serine at codon 424 is replaced by tyrosine, an amino acid with dissimilar properties. This amino acid position is conserved. In addition, this alteration is predicted to be tolerated by in silico analysis. Since supporting evidence is limited at this time, the clinical significance of this alteration remains unclear.